The following is an entry in ClinVar:

NM_152641.4(ARID2):c.4919A>G (p.Lys1640Arg)

Gene: ARID2 (AT-rich interaction domain 2; plus strand). Cytogenetic location: 12q12.
Variant type: single nucleotide variant.
Coding change: c.4919A>G on transcript NM_152641.4 (MANE Select); coding-DNA position 4919, A replaced by G.
Protein change: p.Lys1640Arg; replaces lysine 1640 with arginine.
Molecular consequence: missense variant.
Genome position (GRCh38, 1-based): chr12:45,860,946, A>G. VCF-style: chr12-45860946-A-G. GRCh37 (hg19) VCF-style: chr12-46254729-A-G.
Other names: c.4919A>G, p.Lys1640Arg (NM_001347839.2); short protein forms K1640R.
Identifiers: ClinVar variation 1478040 (VCV001478040.6), dbSNP rs2138192593, ClinGen allele CA384494780.

ClinVar aggregate classification (germline): Uncertain significance (1 of 4 stars; one submission).

Submission:

Labcorp Genetics (formerly Invitae), Labcorp
Classification: Uncertain significance. Last evaluated: 2023-10-04. Review status: criteria provided, single submitter. Criteria: Invitae Variant Classification Sherloc (09022015). Collection method: clinical testing. Allele origin: germline.
Comment: This sequence change replaces lysine, which is basic and polar, with arginine, which is basic and polar, at codon 1640 of the ARID2 protein (p.Lys1640Arg). This variant is not present in population databases (gnomAD no frequency). This variant has not been reported in the literature in individuals affected with ARID2-related conditions. ClinVar contains an entry for this variant (Variation ID: 1478040). An algorithm developed to predict the effect of missense changes on protein structure and function (PolyPhen-2) suggests that this variant is likely to be tolerated. In summary, the available evidence is currently insufficient to determine the role of this variant in disease. Therefore, it has been classified as a Variant of Uncertain Significance.